The following is an entry in ClinVar:

ClinVar aggregate classification (germline): Uncertain significance. Review status: criteria provided, multiple submitters, no conflicts (2 of 4 stars). 2 submissions from 2 submitters: Uncertain significance (2). Last evaluated 2025-08-09.

Conditions:
Hereditary cancer-predisposing syndrome. Also called: Hereditary Cancer Syndrome; Hereditary neoplastic syndrome; Neoplastic Syndromes, Hereditary; Tumor predisposition. Identifiers: Orphanet 140162, MedGen C0027672, MeSH D009386, MONDO:0015356.
Haddad syndrome (OHD). Also called: Ondine-Hirschsprung disease. Identifiers: Orphanet 99803, MedGen C1859049, MONDO:0020493.

Submissions (2):

Ambry Genetics
Classification: Uncertain significance for Hereditary cancer-predisposing syndrome. Last evaluated: 2025-08-09. Review status: criteria provided, single submitter. Criteria: Ambry Variant Classification Scheme 2023. Collection method: clinical testing. Allele origin: germline.
Comment: The p.K97T variant (also known as c.290A>C), located in coding exon 2 of the PHOX2B gene, results from an A to C substitution at nucleotide position 290. The lysine at codon 97 is replaced by threonine, an amino acid with similar properties. This amino acid position is conserved. In addition, this alteration is predicted to be deleterious by in silico analysis. Based on the available evidence, the clinical significance of this variant remains unclear.

Labcorp Genetics (formerly Invitae), Labcorp
Classification: Uncertain significance for Haddad syndrome. Last evaluated: 2017-06-21. Review status: criteria provided, single submitter. Criteria: Invitae Variant Classification Sherloc (09022015). Collection method: clinical testing. Allele origin: germline.
Comment: This sequence change replaces lysine with threonine at codon 97 of the PHOX2B protein (p.Lys97Thr). The lysine residue is highly conserved and there is a moderate physicochemical difference between lysine and threonine. In summary, the available evidence is currently insufficient to determine the role of this variant in disease. Therefore, it has been classified as a Variant of Uncertain Significance. Algorithms developed to predict the effect of missense changes on protein structure and function (SIFT, PolyPhen-2, Align-GVGD) all suggest that this variant is likely to be disruptive, but these predictions have not been confirmed by published functional studies and their clinical significance is uncertain. This variant has not been reported in the literature in individuals with PHOX2B-related disease. ClinVar contains an entry for this variant (Variation ID: 406407). This variant is not present in population databases (ExAC no frequency).

NM_003924.4(PHOX2B):c.290A>C (p.Lys97Thr)

Gene: PHOX2B (paired like homeobox 2B; minus strand). Cytogenetic location: 4p13.
Variant type: single nucleotide variant.
Coding change: c.290A>C on transcript NM_003924.4 (MANE Select); coding-DNA position 290, A replaced by C.
Protein change: p.Lys97Thr; replaces lysine 97 with threonine.
Molecular consequence: missense variant.
Genome position (GRCh38, 1-based): chr4:41,747,488, T>G on the plus strand (A>C on the coding strand, the complement: PHOX2B is on the minus strand). VCF-style: chr4-41747488-T-G. GRCh37 (hg19) VCF-style: chr4-41749505-T-G.
Other names: short protein forms K97T.
Identifiers: ClinVar variation 406407 (VCV000406407.11), dbSNP rs1060501123, ClinGen allele CA16611440.